The following is an entry in ClinVar:

ClinVar aggregate classification (germline): Conflicting classifications of pathogenicity. Review status: criteria provided, conflicting classifications (1 of 4 stars). 6 submissions from 6 submitters: Uncertain significance (2); Benign (1); Likely benign (3). Last evaluated 2025-07-21.

Conditions:
Hereditary cancer. Identifiers: MedGen C1333600.
Hereditary cancer-predisposing syndrome. Also called: Tumor predisposition; Neoplastic Syndromes, Hereditary; Hereditary Cancer Syndrome; Hereditary neoplastic syndrome. Identifiers: Orphanet 140162, MedGen C0027672, MeSH D009386, MONDO:0015356.
Tuberous sclerosis syndrome (TSC). Also called: Tuberous Sclerosis Complex; Tuberous sclerosis. Identifiers: Orphanet 805, MedGen C0041341, MONDO:0001734.
Tuberous sclerosis 1 (TSC1). Identifiers: Orphanet 805, MedGen C1854465, MONDO:0008612, OMIM 191100.

Allele frequency attached by ClinVar (database versions not stated): gnomAD exomes below 0.00001; TOPMed below 0.00001.
gnomAD v4.1: 1 of 1,614,112 alleles (0.000062%); highest among the groups gnomAD compares: East Asian, 0.0022%; no homozygotes.

Submissions (6):

Labcorp Genetics (formerly Invitae), Labcorp
Classification: Likely benign for Tuberous sclerosis 1. Last evaluated: 2025-07-21. Review status: criteria provided, single submitter. Criteria: Invitae Variant Classification Sherloc (09022015). Collection method: clinical testing. Allele origin: germline.

Mendelics
Classification: Likely benign for Hereditary cancer. Last evaluated: 2025-06-23. Review status: criteria provided, single submitter. Criteria: ACMG Guidelines, 2015. Collection method: clinical testing. Allele origin: unknown.
Comment: This variant is considered likely benign or benign based on one or more of the following: it is predicted to be benign by multiple in silico algorithms, and/or has population frequency not consistent with disease, and/or has normal protein function, and/or has lack of segregation with disease, and/or has been detected in co-occurrence with known pathogenic variant, and/or has lack of disease association in case-control studies, and/or is located in a region inconsistent with a known cause of pathogenicity.

Myriad Genetics, Inc.
Classification: Benign for Tuberous sclerosis 1. Last evaluated: 2025-04-09. Review status: criteria provided, single submitter. Criteria: Myriad Autosomal Dominant, Autosomal Recessive and X-Linked Classification Criteria (2023). Collection method: clinical testing. Allele origin: unknown.
Comment: This variant is considered benign. This variant is a silent/synonymous amino acid change and it is not expected to impact splicing.

All of Us Research Program, National Institutes of Health
Classification: Uncertain significance for Tuberous sclerosis syndrome. Last evaluated: 2023-05-04. Review status: criteria provided, single submitter. Criteria: ACMG Guidelines, 2015. Collection method: clinical testing. Allele origin: germline. Inheritance: Autosomal dominant inheritance. Observed: 1 variant allele, 1 heterozygote.
Comment: This variant is a synonymous variant at codon 398 of the TSC1 protein. Splice site prediction tools suggest that this variant may impact RNA splicing. To our knowledge, RNA studies have not been reported for this variant. This variant has not been reported in individuals affected with hereditary cancer in the literature. This variant has not been identified in the general population by the Genome Aggregation Database (gnomAD). The available evidence is insufficient to determine the role of this variant in disease conclusively. Therefore, this variant is classified as a Variant of Uncertain Significance.

This study involves interpretation of variants in research participants for the purpose of population health screening. Participant phenotype was not available at the time of variant classification. Additional details can be found in publication PMID: 35346344, PMCID: PMC8962531

GeneDx
Classification: Uncertain significance. Last evaluated: 2023-03-16. Review status: criteria provided, single submitter. Criteria: GeneDx Variant Classification Process June 2021. Collection method: clinical testing. Allele origin: germline. Affected: yes.
Comment: Not observed at significant frequency in large population cohorts (gnomAD); Has not been previously published as pathogenic or benign to our knowledge; In silico analysis suggests this variant may impact gene splicing. In the absence of RNA/functional studies, the actual effect of this sequence change is unknown

Ambry Genetics
Classification: Likely benign for Hereditary cancer-predisposing syndrome. Last evaluated: 2022-09-27. Review status: criteria provided, single submitter. Criteria: Ambry Variant Classification Scheme 2023. Collection method: clinical testing. Allele origin: germline.

NM_000368.5(TSC1):c.1194C>G (p.Ala398=)

Gene: TSC1 (TSC complex subunit 1; minus strand). Cytogenetic location: 9q34.13.
Variant type: single nucleotide variant.
Coding change: c.1194C>G on transcript NM_000368.5 (MANE Select); coding-DNA position 1194, C replaced by G.
Protein change: p.Ala398=; no amino-acid change (alanine 398 retained).
Molecular consequence: synonymous variant.
Genome position (GRCh38, 1-based): chr9:132,910,640, G>C on the plus strand (C>G on the coding strand, the complement: TSC1 is on the minus strand). VCF-style: chr9-132910640-G-C. GRCh37 (hg19) VCF-style: chr9-135786027-G-C.
Other names: c.1191C>G, p.Ala397= (NM_001162426.2); c.1041C>G, p.Ala347= (NM_001162427.2); c.831C>G, p.Ala277= (NM_001362177.2).
Identifiers: ClinVar variation 416686 (VCV000416686.19), dbSNP rs1060504861, ClinGen allele CA16612586.